The following is an entry in ClinVar:

NM_033656.4(BRWD1):c.-4G>C

Genes: BRWD1 (bromodomain and WD repeat domain containing 1; minus strand), LOC130066682 (ATAC-STARR-seq lymphoblastoid silent region 13324; plus strand). Cytogenetic location: 21q22.2.
Variant type: single nucleotide variant.
Coding change: c.-4G>C on transcript NM_033656.4 (MANE Select); 4 bases upstream of the start codon, G replaced by C.
Molecular consequence: 5 prime UTR variant.
Genome position (GRCh38, 1-based): chr21:39,313,495, C>G on the plus strand (G>C on the coding strand, the complement: BRWD1 is on the minus strand). VCF-style: chr21-39313495-C-G. GRCh37 (hg19) VCF-style: chr21-40685421-C-G.
Other names: c.-4G>C (NM_001007246.3, NM_018963.5).
Identifiers: ClinVar variation 3042981 (VCV003042981.2), dbSNP rs537665633, ClinGen allele CA10027948.

ClinVar aggregate classification (germline): Benign (0 of 4 stars; one submission).

Conditions:
BRWD1-related disorder. Also called: BRWD1-related condition.

Allele frequency attached by ClinVar (database versions not stated): gnomAD exomes 0.00061; 1000 Genomes Project 0.00160; 1000 Genomes Project 30x 0.00328.
gnomAD v4.1: 779 of 1,122,522 alleles (0.069%); highest among the groups gnomAD compares: East Asian, 4.3%; 8 homozygotes.

Submission:

PreventionGenetics, part of Exact Sciences
Classification: Benign for BRWD1-related condition. Last evaluated: 2019-08-28. Review status: no assertion criteria provided. Collection method: clinical testing. Allele origin: germline.
Comment: This variant is classified as benign based on ACMG/AMP sequence variant interpretation guidelines (Richards et al. 2015 PMID: 25741868, with internal and published modifications).